The following is an entry in ClinVar:

ClinVar aggregate classification (germline): Conflicting classifications of pathogenicity. Review status: criteria provided, conflicting classifications (1 of 4 stars). 3 submissions from 3 submitters: Likely pathogenic (1); Uncertain significance (1). 1 of the submissions does not count toward it. Last evaluated 2025-06-10.

Conditions:
MYH7-related skeletal myopathy. Also called: MYOPATHY, DISTAL, EARLY-ONSET, AUTOSOMAL DOMINANT; MYOPATHY, LATE DISTAL HEREDITARY; Laing early-onset distal myopathy; Myopathy, distal, 1; Laing distal myopathy. Identifiers: Orphanet 59135, MedGen C4552004, MONDO:0008050, OMIM 160500.
Cardiomyopathy (CMYO). Also called: Cardiomyopathies. Identifiers: Orphanet 167848, MedGen C0878544, MONDO:0004994, HP:0001638. Inheritance: Various modes of inheritance.

Submissions (3):

Color Diagnostics, LLC DBA Color Health
Classification: Uncertain significance for Cardiomyopathy. Last evaluated: 2025-06-10. Review status: criteria provided, single submitter. Criteria: ACMG Guidelines, 2015. Collection method: clinical testing. Allele origin: germline.
Comment: This missense variant replaces arginine with proline at codon 1560 of the MYH7 protein. Computational prediction suggests that this variant may have a deleterious impact on protein structure and function. To our knowledge, functional studies have not been reported for this variant. This variant has been reported in an individual affected with hypertrophic cardiomyopathy (PMID: 29875424) and in an individual affected with left ventricular noncompaction (PMID: 32235386). This variant been observed in two large families in Andalucia, Spain, who were affected with Laing distal myopathy (PMID: 30166250). This variant has not been identified in the general population by the Genome Aggregation Database (gnomAD). The available evidence is insufficient to determine the role of this variant in cardiomyopathy. Therefore, it is classified as a Variant of Uncertain Significance.

GeneDx
Classification: Likely pathogenic. Last evaluated: 2022-09-02. Review status: criteria provided, single submitter. Criteria: GeneDx Variant Classification Process June 2021. Collection method: clinical testing. Allele origin: germline. Affected: yes.
Comment: In silico analysis supports that this missense variant has a deleterious effect on protein structure/function; Not observed at significant frequency in large population cohorts (gnomAD); This variant is associated with the following publications: (PMID: 32301330, 32235386, 30166250)

GeneReviews
No classification provided. Condition: MYH7-related skeletal myopathy. Review status: no classification provided. Collection method: literature only. Allele origin: germline. Not counted in ClinVar's aggregate classification.
Comment: Founder variant in southern Spain

Literature cited by the submitters: PubMed 29875424 (cited by Color Diagnostics, LLC DBA Color Health); PubMed 30166250 (cited by Color Diagnostics, LLC DBA Color Health and GeneReviews); PubMed 32235386 (cited by Color Diagnostics, LLC DBA Color Health); NCBI Bookshelf NBK1433 (cited by GeneReviews).

NM_000257.4(MYH7):c.4679G>C (p.Arg1560Pro)

Genes: MHRT (myosin heavy chain associated RNA transcript; plus strand), MYH7 (myosin heavy chain 7; minus strand), LOC126861897 (BRD4-independent group 4 enhancer GRCh37_chr14:23884455-23885654; plus strand). Cytogenetic location: 14q11.2.
Variant type: single nucleotide variant.
Coding change: c.4679G>C on transcript NM_000257.4 (MANE Select); coding-DNA position 4679, G replaced by C.
Protein change: p.Arg1560Pro; replaces arginine 1560 with proline.
Molecular consequence: missense variant. On other transcripts: non-coding transcript variant (1).
Genome position (GRCh38, 1-based): chr14:23,416,278, C>G on the plus strand (G>C on the coding strand, the complement: MYH7 is on the minus strand). VCF-style: chr14-23416278-C-G. GRCh37 (hg19) VCF-style: chr14-23885487-C-G.
Other names: c.4679G>C (NM_000257.2); short protein forms R1560P.
Identifiers: ClinVar variation 1333012 (VCV001333012.6), dbSNP rs730880806, ClinGen allele CA389037873.